The following is an entry in ClinVar:

NM_201384.3(PLEC):c.11765C>G (p.Thr3922Ser)

Gene: PLEC (plectin; minus strand). Cytogenetic location: 8q24.3.
Variant type: single nucleotide variant.
Coding change: c.11765C>G on transcript NM_201384.3 (MANE Select); coding-DNA position 11765, C replaced by G.
Protein change: p.Thr3922Ser; replaces threonine 3922 with serine.
Molecular consequence: missense variant.
Genome position (GRCh38, 1-based): chr8:143,918,056, G>C on the plus strand (C>G on the coding strand, the complement: PLEC is on the minus strand). VCF-style: chr8-143918056-G-C. GRCh37 (hg19) VCF-style: chr8-144992224-G-C.
Other names: c.11846C>G, p.Thr3949Ser (NM_000445.5); c.8465C>G, p.Thr2822Ser (NM_001410941.1); c.11723C>G, p.Thr3908Ser (NM_201378.4); c.11699C>G, p.Thr3900Ser (NM_201379.3); c.12176C>G, p.Thr4059Ser (NM_201380.4); c.11669C>G, p.Thr3890Ser (NM_201381.3); c.11765C>G, p.Thr3922Ser (NM_201382.4); c.11777C>G, p.Thr3926Ser (NM_201383.3); short protein forms T2822S, T3890S, T3900S, T3908S, T3922S, T3926S, T3949S, T4059S.
Identifiers: ClinVar variation 2434988 (VCV002434988.7), dbSNP rs782210275, ClinGen allele CA4924250.

ClinVar aggregate classification (germline): Conflicting classifications of pathogenicity. Review status: criteria provided, conflicting classifications (1 of 4 stars). 3 submissions from 3 submitters: Uncertain significance (2); Likely benign (1). Last evaluated 2025-04-14.

Conditions:
Epidermolysis bullosa simplex 5B, with muscular dystrophy (EBS5B). Also called: EPIDERMOLYSIS BULLOSA SIMPLEX AND LIMB-GIRDLE MUSCULAR DYSTROPHY; Epidermolysis bullosa simplex with muscular dystrophy. Identifiers: Orphanet 257, MedGen C2931072, MONDO:0009181, OMIM 226670.
Epidermolysis bullosa simplex with nail dystrophy (EBS5D). Identifiers: MedGen C4225309, MONDO:0014661, OMIM 616487.
Epidermolysis bullosa simplex 5C, with pyloric atresia (EBS5C). Also called: PLEC-Related Epidermolysis Bullosa with Pyloric Atresia; Epidermolysis bullosa simplex with pyloric atresia; PLEC1-Related Epidermolysis Bullosa with Pyloric Atresia. Identifiers: Orphanet 158684, MedGen C2677349, MONDO:0012807, OMIM 612138.
Autosomal recessive limb-girdle muscular dystrophy type 2Q (LGMDR17). Also called: MUSCULAR DYSTROPHY, LIMB-GIRDLE, AUTOSOMAL RECESSIVE 17. Identifiers: Orphanet 254361, MedGen C3150989, MONDO:0013390, OMIM 613723.
Epidermolysis bullosa simplex, Ogna type (EBS5A). Also called: EPIDERMOLYSIS BULLOSA SIMPLEX 5A, OGNA TYPE; Pidermolysis bullosa simplex 5A, Ogna type. Identifiers: Orphanet 79401, MedGen C0432317, MONDO:0007555, OMIM 131950.
Inborn genetic diseases. Identifiers: MedGen C0950123, MeSH D030342.

Allele frequency attached by ClinVar (database versions not stated): ExAC 0.00001; gnomAD 0.00001; TOPMed 0.00002.
gnomAD v4.1: 31 of 1,604,840 alleles (0.0019%); highest among the groups gnomAD compares: Non-Finnish European, 0.0025%; no homozygotes.

Submissions (3):

Ambry Genetics
Classification: Likely benign for Inborn genetic diseases. Last evaluated: 2025-04-14. Review status: criteria provided, single submitter. Criteria: Ambry Variant Classification Scheme 2023. Collection method: clinical testing. Allele origin: germline.

Revvity Omics, Revvity
Classification: Uncertain significance. Last evaluated: 2024-06-20. Review status: criteria provided, single submitter. Criteria: ACMG Guidelines, 2015. Collection method: clinical testing. Allele origin: germline.

Labcorp Genetics (formerly Invitae), Labcorp
Classification: Uncertain significance for Autosomal recessive limb-girdle muscular dystrophy type 2Q; Epidermolysis bullosa simplex, Ogna type; Epidermolysis bullosa simplex with nail dystrophy; Epidermolysis bullosa simplex 5C, with pyloric atresia; Epidermolysis bullosa simplex 5B, with muscular dystrophy. Last evaluated: 2023-07-16. Review status: criteria provided, single submitter. Criteria: Invitae Variant Classification Sherloc (09022015). Collection method: clinical testing. Allele origin: germline.
Comment: ClinVar contains an entry for this variant (Variation ID: 2434988). In summary, the available evidence is currently insufficient to determine the role of this variant in disease. Therefore, it has been classified as a Variant of Uncertain Significance. Advanced modeling of protein sequence and biophysical properties (such as structural, functional, and spatial information, amino acid conservation, physicochemical variation, residue mobility, and thermodynamic stability) performed at Invitae indicates that this missense variant is not expected to disrupt PLEC protein function. This variant has not been reported in the literature in individuals affected with PLEC-related conditions. This variant is present in population databases (rs782210275, gnomAD 0.003%). This sequence change replaces threonine, which is neutral and polar, with serine, which is neutral and polar, at codon 3949 of the PLEC protein (p.Thr3949Ser).